The following is an entry in ClinVar:

ClinVar aggregate classification (germline): Uncertain significance (1 of 4 stars; one submission).

Submission:

GeneDx
Classification: Uncertain significance. Last evaluated: 2024-12-03. Review status: criteria provided, single submitter. Criteria: GeneDx Variant Classification Process June 2021. Collection method: clinical testing. Allele origin: germline. Affected: yes.
Comment: Not observed at significant frequency in large population cohorts (gnomAD); In silico analysis supports that this missense variant has a deleterious effect on protein structure/function; Has not been previously published as pathogenic or benign to our knowledge

NM_021096.4(CACNA1I):c.4732C>T (p.Pro1578Ser)

Gene: CACNA1I (calcium voltage-gated channel subunit alpha1 I; plus strand). Cytogenetic location: 22q13.1.
Variant type: single nucleotide variant.
Coding change: c.4732C>T on transcript NM_021096.4 (MANE Select); coding-DNA position 4732, C replaced by T.
Protein change: p.Pro1578Ser; replaces proline 1578 with serine.
Molecular consequence: missense variant.
Genome position (GRCh38, 1-based): chr22:39,673,031, C>T. VCF-style: chr22-39673031-C-T. GRCh37 (hg19) VCF-style: chr22-40069036-C-T.
Other names: c.4627C>T, p.Pro1543Ser (NM_001003406.2); short protein forms P1543S, P1578S.
Identifiers: ClinVar variation 3901702 (VCV003901702.1).